The following is an entry in ClinVar:

NM_001853.4(COL9A3):c.1480C>G (p.Pro494Ala)

Genes: COL9A3 (collagen type IX alpha 3 chain; plus strand), LOC126863084 (MED14-independent group 3 enhancer GRCh37_chr20:61467141-61468340; plus strand). Cytogenetic location: 20q13.33.
Variant type: single nucleotide variant.
Coding change: c.1480C>G on transcript NM_001853.4 (MANE Select); coding-DNA position 1480, C replaced by G.
Protein change: p.Pro494Ala; replaces proline 494 with alanine.
Molecular consequence: missense variant.
Genome position (GRCh38, 1-based): chr20:62,836,265, C>G. VCF-style: chr20-62836265-C-G. GRCh37 (hg19) VCF-style: chr20-61467617-C-G.
Other names: short protein forms P494A.
Identifiers: ClinVar variation 2816973 (VCV002816973.3), dbSNP rs747039261, ClinGen allele CA409597909.

ClinVar aggregate classification (germline): Uncertain significance (1 of 4 stars; one submission).

gnomAD v4.1: 5 of 1,613,540 alleles (0.00031%); highest among the groups gnomAD compares: Non-Finnish European, 0.00042%; no homozygotes.

Submission:

Labcorp Genetics (formerly Invitae), Labcorp
Classification: Uncertain significance. Last evaluated: 2024-05-22. Review status: criteria provided, single submitter. Criteria: Invitae Variant Classification Sherloc (09022015). Collection method: clinical testing. Allele origin: germline.
Comment: This sequence change replaces proline, which is neutral and non-polar, with alanine, which is neutral and non-polar, at codon 494 of the COL9A3 protein (p.Pro494Ala). This variant is present in population databases (no rsID available, gnomAD 0.0009%). This variant has not been reported in the literature in individuals affected with COL9A3-related conditions. Advanced modeling of protein sequence and biophysical properties (such as structural, functional, and spatial information, amino acid conservation, physicochemical variation, residue mobility, and thermodynamic stability) performed at Invitae indicates that this missense variant is not expected to disrupt COL9A3 protein function with a negative predictive value of 95%. In summary, the available evidence is currently insufficient to determine the role of this variant in disease. Therefore, it has been classified as a Variant of Uncertain Significance.